The following is an entry in ClinVar:

NM_013247.5(HTRA2):c.336_342dup (p.Gly115fs)

Gene: HTRA2 (HtrA serine peptidase 2; plus strand). Cytogenetic location: 2p13.1.
Variant type: Microsatellite.
Coding change: c.336_342dup on transcript NM_013247.5 (MANE Select); coding-DNA positions 336 to 342, 7 bases duplicated (CGCTGGG; older notation c.336_342dupCGCTGGG).
Protein change: p.Gly115fs; shifts the reading frame from glycine 115.
Molecular consequence: frameshift variant. On other transcripts: non-coding transcript variant (1).
Genome position (GRCh38, 1-based): chr2:74,530,342-74,530,348, CGCTGGG duplicated; duplicating any 7 consecutive bases within chr2:74,530,333-74,530,348 gives the same sequence; the c. name uses the placement nearest the transcript's 3' end. VCF-style (leftmost placement, unchanged base first): chr2-74530332-T-TGGCGCTG. GRCh37 (hg19) VCF-style: chr2-74757459-T-TGGCGCTG.
Other names: c.336_342dup, p.Gly115fs (NM_001321727.1, NM_001321728.1, NM_145074.2); short protein forms G115fs.
Identifiers: ClinVar variation 4697380 (VCV004697380.1).

ClinVar aggregate classification (germline): Pathogenic (1 of 4 stars; one submission).

Submission:

Labcorp Genetics (formerly Invitae), Labcorp
Classification: Pathogenic. Last evaluated: 2026-01-12. Review status: criteria provided, single submitter. Criteria: Invitae Variant Classification Sherloc (09022015). Collection method: clinical testing. Allele origin: germline.
Comment: This sequence change creates a premature translational stop signal (p.Gly115Argfs*25) in the HTRA2 gene. It is expected to result in an absent or disrupted protein product. Loss-of-function variants in HTRA2 are known to be pathogenic (PMID: 25531304, 27208207, 27696117). This variant is present in population databases (no rsID available, gnomAD 0.001%). This variant has not been reported in the literature in individuals affected with HTRA2-related conditions. For these reasons, this variant has been classified as Pathogenic.

Literature cited by the submitters: PubMed 25531304; PubMed 27208207; PubMed 27696117.